The following is an entry in ClinVar:

ClinVar aggregate classification (germline): Uncertain significance. Review status: criteria provided, multiple submitters, no conflicts (2 of 4 stars). 2 submissions from 2 submitters: Uncertain significance (2). Last evaluated 2025-08-26.

Allele frequency attached by ClinVar (database versions not stated): gnomAD exomes below 0.00001; TOPMed 0.00001.
gnomAD v4.1: 3 of 1,614,024 alleles (0.00019%); highest among the groups gnomAD compares: South Asian, 0.0011%; no homozygotes.

Submissions (2):

Ambry Genetics
Classification: Uncertain significance. Last evaluated: 2025-08-26. Review status: criteria provided, single submitter. Criteria: Ambry Variant Classification Scheme 2023. Collection method: clinical testing. Allele origin: germline.

CeGaT Center for Human Genetics Tuebingen
Classification: Uncertain significance. Last evaluated: 2023-02-01. Review status: criteria provided, single submitter. Criteria: CeGaT Center For Human Genetics Tuebingen Variant Classification Criteria Version 2. Collection method: clinical testing. Allele origin: germline. Affected: yes. Observed: 1 variant allele.
Comment: RFC2: PM2, BP4

NM_181471.3(RFC2):c.586G>A (p.Ala196Thr)

Gene: RFC2 (replication factor C subunit 2; minus strand). Cytogenetic location: 7q11.23.
Variant type: single nucleotide variant.
Coding change: c.586G>A on transcript NM_181471.3 (MANE Select); coding-DNA position 586, G replaced by A.
Protein change: p.Ala196Thr; replaces alanine 196 with threonine.
Molecular consequence: missense variant.
Genome position (GRCh38, 1-based): chr7:74,240,045, C>T on the plus strand (G>A on the coding strand, the complement: RFC2 is on the minus strand). VCF-style: chr7-74240045-C-T. GRCh37 (hg19) VCF-style: chr7-73654375-C-T.
Other names: c.283G>A, p.Ala95Thr (NM_001278791.2); c.277G>A, p.Ala93Thr (NM_001278792.2); c.181G>A, p.Ala61Thr (NM_001278793.2); c.484G>A, p.Ala162Thr (NM_002914.5); c.586G>A (NM_181471.1); short protein forms A162T, A196T, A61T, A93T, A95T.
Identifiers: ClinVar variation 2657586 (VCV002657586.25), dbSNP rs1195722037, ClinGen allele CA367910706.